The following is an entry in ClinVar:

ClinVar aggregate classification (germline): Uncertain significance. Review status: criteria provided, multiple submitters, no conflicts (2 of 4 stars). 2 submissions from 2 submitters: Uncertain significance (2). Last evaluated 2023-06-29.

Submissions (2):

Labcorp Genetics (formerly Invitae), Labcorp
Classification: Uncertain significance. Last evaluated: 2023-06-29. Review status: criteria provided, single submitter. Criteria: Invitae Variant Classification Sherloc (09022015). Collection method: clinical testing. Allele origin: germline.
Comment: This variant, c.7374_7376del, results in the deletion of 1 amino acid(s) of the HUWE1 protein (p.Asp2461del), but otherwise preserves the integrity of the reading frame. This variant is not present in population databases (gnomAD no frequency). In summary, the available evidence is currently insufficient to determine the role of this variant in disease. Therefore, it has been classified as a Variant of Uncertain Significance. Experimental studies and prediction algorithms are not available or were not evaluated, and the functional significance of this variant is currently unknown. ClinVar contains an entry for this variant (Variation ID: 503892). This variant has not been reported in the literature in individuals affected with HUWE1-related conditions.

GeneDx
Classification: Uncertain significance. Last evaluated: 2017-11-29. Review status: criteria provided, single submitter. Criteria: GeneDx Variant Classification (06012015). Collection method: clinical testing. Allele origin: germline. Affected: yes.
Comment: The c.7374_7376delTGA variant has not been published as a pathogenic variant, nor has it been reported as a benign variant to our knowledge. The c.7374_7376delTGA variant is not observed in large population cohorts (Lek et al., 2016). The c.7374_7376delTGA variant results in an in-frame deletion of a single Aspartic acid residue, denoted p.Asp2461del. In-silico analyses, including protein predictors and evolutionary conservation, support a deleterious effect. However, the number of Aspartic acid residues in this region varies in evolution. Additionally, in-frame deletions have not been reported in the Human Gene Mutation Database in association with HUWE1-related disorders (Stenson et al., 2014). Therefore, based on the currently available information, it is unclear whether this variant is a pathogenic variant or a rare benign variant.

NM_031407.7(HUWE1):c.7374_7376del (p.Asp2461del)

Genes: HUWE1 (HECT, UBA and WWE domain containing E3 ubiquitin protein ligase 1; minus strand), LOC126863262 (MED14-independent group 3 enhancer GRCh37_chrX:53588722-53589921; plus strand). Cytogenetic location: Xp11.22.
Variant type: Deletion.
Coding change: c.7374_7376del on transcript NM_031407.7 (MANE Select); coding-DNA positions 7374 to 7376, 3 bases deleted (TGA; older notation c.7374_7376delTGA).
Protein change: p.Asp2461del; deletes aspartic acid 2461.
Molecular consequence: inframe deletion.
Genome position (GRCh38, 1-based): chrX:53,561,887-53,561,889, TCA deleted on the plus strand (TGA on the coding strand, the reverse complement: HUWE1 is on the minus strand); deleting any 3 consecutive bases within chrX:53,561,887-53,561,891 gives the same sequence; the c. name uses the placement nearest the transcript's 3' end. VCF-style (leftmost placement, unchanged base first): chrX-53561886-GTCA-G. GRCh37 (hg19) VCF-style: chrX-53588847-GTCA-G.
Other names: short protein forms D2461del.
Identifiers: ClinVar variation 503892 (VCV000503892.5), dbSNP rs1556941498, ClinGen allele CA658799763.